The following is an entry in ClinVar:

NM_001129.5(AEBP1):c.978C>T (p.Pro326=)

Gene: AEBP1 (AE binding protein 1; plus strand). Cytogenetic location: 7p13.
Variant type: single nucleotide variant.
Coding change: c.978C>T on transcript NM_001129.5 (MANE Select); coding-DNA position 978, C replaced by T.
Protein change: p.Pro326=; no amino-acid change (proline 326 retained).
Molecular consequence: synonymous variant.
Genome position (GRCh38, 1-based): chr7:44,108,936, C>T. VCF-style: chr7-44108936-C-T. GRCh37 (hg19) VCF-style: chr7-44148535-C-T.
Identifiers: ClinVar variation 1711656 (VCV001711656.30), dbSNP rs748157951, ClinGen allele CA4237696.

ClinVar aggregate classification (germline): Likely benign (1 of 4 stars; one submission).

Allele frequency attached by ClinVar (database versions not stated): gnomAD 0.00002; TOPMed 0.00002; ExAC 0.00009.

Submission:

CeGaT Center for Human Genetics Tuebingen
Classification: Likely benign. Last evaluated: 2022-08-01. Review status: criteria provided, single submitter. Criteria: CeGaT Center For Human Genetics Tuebingen Variant Classification Criteria Version 2. Collection method: clinical testing. Allele origin: germline. Affected: yes. Observed: 1 variant allele.
Comment: AEBP1: BP4, BP7